The following is an entry in ClinVar:

NM_022124.6(CDH23):c.1143_1176del

Gene: CDH23 (cadherin related 23; plus strand). Cytogenetic location: 10q22.1.
Variant type: Deletion.
Coding change: c.1143_1176del on transcript NM_022124.6 (MANE Select); coding-DNA positions 1143 to 1176, 34 bases deleted.
Molecular consequence: splice acceptor variant.
Genome position (GRCh38, 1-based): chr10:71,645,833-71,645,866, 34 bases deleted; deleting any 34 consecutive bases within chr10:71,645,830-71,645,866 gives the same sequence; the c. name uses the placement nearest the transcript's 3' end. GRCh37 (hg19): chr10:73,405,590-73,405,623.
Other names: p.Leu382Thrfs*54.
Identifiers: ClinVar variation 1357019 (VCV001357019.8), dbSNP rs764949139, ClinGen allele CA5543716.

ClinVar aggregate classification (germline): Pathogenic/Likely pathogenic. Review status: criteria provided, multiple submitters, no conflicts (2 of 4 stars). 3 submissions from 3 submitters: Pathogenic (1); Likely pathogenic (1). 1 of the submissions does not count toward it. Last evaluated 2023-01-21.

Conditions:
Usher syndrome type 1D (USH1D). Also called: USHER SYNDROME, TYPE ID. Identifiers: Orphanet 231169, Orphanet 886, MedGen C1832845, MONDO:0010984, OMIM 601067.
Autosomal recessive nonsyndromic hearing loss 12. Also called: DEAFNESS, AUTOSOMAL RECESSIVE 12. Identifiers: Orphanet 90636, MedGen C1832394, MONDO:0011067, OMIM 601386.
Pituitary adenoma 5, multiple types. Identifiers: MedGen C4539685, MONDO:0054601, OMIM 617540.

Submissions (3):

Labcorp Genetics (formerly Invitae), Labcorp
Classification: Pathogenic. Last evaluated: 2023-01-21. Review status: criteria provided, single submitter. Criteria: Invitae Variant Classification Sherloc (09022015). Collection method: clinical testing. Allele origin: germline.
Comment: Algorithms developed to predict the effect of sequence changes on RNA splicing suggest that this variant may disrupt the consensus splice site. For these reasons, this variant has been classified as Pathogenic. ClinVar contains an entry for this variant (Variation ID: 1357019). This variant has not been reported in the literature in individuals affected with CDH23-related conditions. This variant is present in population databases (rs764949139, gnomAD 0.0009%). This sequence change creates a premature translational stop signal (p.Leu382Thrfs*54) in the CDH23 gene. It is expected to result in an absent or disrupted protein product. Loss-of-function variants in CDH23 are known to be pathogenic (PMID: 11138009, 21940737).

Fulgent Genetics
Classification: Likely pathogenic for Usher syndrome type 1D; Autosomal recessive nonsyndromic hearing loss 12; Pituitary adenoma 5, multiple types. Last evaluated: 2021-07-09. Review status: criteria provided, single submitter. Criteria: ACMG Guidelines, 2015. Collection method: clinical testing. Allele origin: unknown.

Clinical Genomics Laboratory, Stanford Medicine
Classification: Pathogenic for Usher syndrome type 1D. Last evaluated: 2021-04-14. Review status: no assertion criteria provided. Collection method: clinical testing. Allele origin: germline. Inheritance: Autosomal recessive inheritance. Affected: yes. Observed: 1 heterozygote. Not counted in ClinVar's aggregate classification.
Comment: The p.Leu382Thrfs*54 variant in the CDH23 gene has not been previously reported in association with disease. The p.Leu382Thrfs*54 variant has been identified in 1/112608 Non-Finnish European chromosomes by the Genome Aggregation Database. Although this variant has been seen in the general population, its frequency is low enough to be consistent with a recessive carrier frequency. The p.Leu382Thrfs*54 variant results in a 33bp deletion, which causes a shift in the protein reading frame, leading to a premature termination codon 54 amino acids downstream. Loss of function is an established mechanism of disease for the CDH23 gene. These data were assessed using the ACMG/AMP variant interpretation guidelines. In summary, there is sufficient evidence to classify the p.Leu382Thrfs*54 variant as pathogenic for Usher syndrome type ID in an autosomal recessive manner based on the information above. [ACMG evidence codes used: PVS1; PM3_supporting; PM2]

Literature cited by the submitters: PubMed 11138009 (cited by Labcorp Genetics (formerly Invitae), Labcorp); PubMed 21940737 (cited by Labcorp Genetics (formerly Invitae), Labcorp).